The following is an entry in ClinVar:

ClinVar aggregate classification (germline): Likely benign (1 of 4 stars; one submission).

gnomAD v4.1: 120 of 1,613,992 alleles (0.0074%); highest among the groups gnomAD compares: Admixed American, 0.018%; no homozygotes.

Submission:

CeGaT Center for Human Genetics Tuebingen
Classification: Likely benign. Last evaluated: 2026-05-01. Review status: criteria provided, single submitter. Criteria: CeGaT Center For Human Genetics Tuebingen Variant Classification Criteria Version 2. Collection method: clinical testing. Allele origin: germline. Affected: yes. Observed: 1 variant allele.
Comment: UNC45B: BP4, BP7

NM_001267052.2(UNC45B):c.897G>A (p.Ala299=)

Gene: UNC45B (unc-45 myosin chaperone B; plus strand). Cytogenetic location: 17q12.
Variant type: single nucleotide variant.
Coding change: c.897G>A on transcript NM_001267052.2 (MANE Select); coding-DNA position 897, G replaced by A.
Protein change: p.Ala299=; no amino-acid change (alanine 299 retained).
Molecular consequence: synonymous variant.
Genome position (GRCh38, 1-based): chr17:35,159,463, G>A. VCF-style: chr17-35159463-G-A. GRCh37 (hg19) VCF-style: chr17-33486482-G-A.
Other names: c.897G>A, p.Ala299= (NM_001033576.2, NM_001308281.1, NM_173167.3).
Identifiers: ClinVar variation 4872290 (VCV004872290.2).